The following is an entry in ClinVar:

ClinVar aggregate classification (germline): Uncertain significance (1 of 4 stars; one submission).

Conditions:
Emery-Dreifuss muscular dystrophy 5, autosomal dominant (EDMD5). Also called: EMERY-DREIFUSS MUSCULAR DYSTROPHY 5. Identifiers: Orphanet 261, MedGen C2751805, MONDO:0013072, OMIM 612999.

Submission:

Labcorp Genetics (formerly Invitae), Labcorp
Classification: Uncertain significance for Emery-Dreifuss muscular dystrophy 5, autosomal dominant. Last evaluated: 2023-12-01. Review status: criteria provided, single submitter. Criteria: Invitae Variant Classification Sherloc (09022015). Collection method: clinical testing. Allele origin: germline.
Comment: This sequence change replaces lysine, which is basic and polar, with asparagine, which is neutral and polar, at codon 3681 of the SYNE2 protein (p.Lys3681Asn). This variant is not present in population databases (gnomAD no frequency). This variant has not been reported in the literature in individuals affected with SYNE2-related conditions. An algorithm developed to predict the effect of missense changes on protein structure and function (PolyPhen-2) suggests that this variant is likely to be disruptive. In summary, the available evidence is currently insufficient to determine the role of this variant in disease. Therefore, it has been classified as a Variant of Uncertain Significance.

NM_182914.3(SYNE2):c.11043A>C (p.Lys3681Asn)

Gene: SYNE2 (spectrin repeat containing nuclear envelope protein 2; plus strand). Cytogenetic location: 14q23.2.
Variant type: single nucleotide variant.
Coding change: c.11043A>C on transcript NM_182914.3 (MANE Select); coding-DNA position 11043, A replaced by C.
Protein change: p.Lys3681Asn; replaces lysine 3681 with asparagine.
Molecular consequence: missense variant.
Genome position (GRCh38, 1-based): chr14:64,078,486, A>C. VCF-style: chr14-64078486-A-C. GRCh37 (hg19) VCF-style: chr14-64545204-A-C.
Other names: c.11043A>C, p.Lys3681Asn (NM_015180.6); short protein forms K3681N.
Identifiers: ClinVar variation 2772763 (VCV002772763.3), dbSNP rs2548583242, ClinGen allele CA389939571.